The following is an entry in ClinVar:

NM_000767.5(CYP2B6):c.1152+9G>A

Gene: CYP2B6 (cytochrome P450 family 2 subfamily B member 6; plus strand). Cytogenetic location: 19q13.2.
Variant type: single nucleotide variant.
Coding change: c.1152+9G>A on transcript NM_000767.5 (MANE Select); 9 bases into the intron after coding-DNA position 1152, G replaced by A.
Molecular consequence: intron variant.
Genome position (GRCh38, 1-based): chr19:41,012,494, G>A. VCF-style: chr19-41012494-G-A. GRCh37 (hg19) VCF-style: chr19-41518399-G-A.
Identifiers: ClinVar variation 3049313 (VCV003049313.3), dbSNP rs200334437, ClinGen allele CA9455498.

ClinVar aggregate classification (germline): Likely benign. Review status: criteria provided, single submitter (1 of 4 stars). 2 submissions from 2 submitters: Likely benign (1). 1 of the submissions does not count toward it. Last evaluated 2024-11-11.

Conditions:
CYP2B6-related disorder. Also called: CYP2B6-related condition.

Allele frequency attached by ClinVar (database versions not stated): ExAC 0.00017; ESP Exome Variant Server 0.00046.
gnomAD v4.1: 224 of 1,613,890 alleles (0.014%); highest among the groups gnomAD compares: African/African-American, 0.081%; no homozygotes.

Submissions (2):

Blueprint Genetics
Classification: Likely benign. Last evaluated: 2024-11-11. Review status: criteria provided, single submitter. Criteria: ACMG Guidelines, 2015. Collection method: clinical testing. Allele origin: germline.

PreventionGenetics, part of Exact Sciences
Classification: Likely benign for CYP2B6-related condition. Last evaluated: 2019-07-12. Review status: no assertion criteria provided. Collection method: clinical testing. Allele origin: germline. Not counted in ClinVar's aggregate classification.
Comment: This variant is classified as likely benign based on ACMG/AMP sequence variant interpretation guidelines (Richards et al. 2015 PMID: 25741868, with internal and published modifications).